The following is an entry in ClinVar:

ClinVar aggregate classification (germline): Conflicting classifications of pathogenicity. Review status: criteria provided, conflicting classifications (1 of 4 stars). 2 submissions from 2 submitters: Pathogenic (1); Uncertain significance (1). Last evaluated 2026-04-27.

Conditions:
GNAS-related disorder. Identifiers: MedGen CN380105.
Pseudohypoparathyroidism type I A (PHP1A). Also called: Pseudohypoparathyroidism Type IA; ALBRIGHT HEREDITARY OSTEODYSTROPHY WITH MULTIPLE HORMONE RESISTANCE; Pseudohypoparathyroidism type 1A; Pseudohypoparathyroidism Ia (PHP-Ia); PHP IA. Identifiers: Orphanet 79443, MedGen C3494506, MONDO:0007078, OMIM 103580.

Allele frequency attached by ClinVar (database versions not stated): gnomAD exomes below 0.00001.
gnomAD v4.1: 1 of 1,614,116 alleles (0.000062%); highest among the groups gnomAD compares: Non-Finnish European, 0.000085%; no homozygotes.

Submissions (2):

PreventionGenetics, part of Exact Sciences
Classification: Uncertain significance for GNAS-related condition. Last evaluated: 2026-04-27. Review status: criteria provided, single submitter. Criteria: ACMG Guidelines, 2015. Collection method: clinical testing. Allele origin: germline.
Comment: The GNAS c.1067G>A variant is predicted to result in the amino acid substitution p.Arg356His. This variant was reported in the heterozygous state and maternally inherited in an individual with early onset obesity (Supplementary Tables, Mendes de Oliveira et al. 2021. PubMed ID: 34614324). Functional studies using various receptor dependent assays found changes in cAMP production efficacy compared to wild type; however, its pathogenicity was not conclusively established (Table S3, Mendes de Oliveira et al. 2021. PubMed ID: 34614324). This variant has not been reported in a large population database (gnomAD), indicating this variant is rare. At this time, the clinical significance of this variant is uncertain due to the absence of conclusive functional and genetic evidence.

Genetics of Obesity Study, University of Cambridge
Classification: Pathogenic for Pseudohypoparathyroidism type I A. Last evaluated: 2020-06-01. Review status: criteria provided, single submitter. Criteria: ACMG Guidelines, 2015. Collection method: research. Allele origin: maternal. Affected: yes.

Literature cited by the submitters: PubMed 34614324 (cited by Genetics of Obesity Study, University of Cambridge).

NM_000516.7(GNAS):c.1067G>A (p.Arg356His)

Gene: GNAS (GNAS complex locus; plus strand). Cytogenetic location: 20q13.32.
Variant type: single nucleotide variant.
Coding change: c.1067G>A on transcript NM_000516.7 (MANE Select); coding-DNA position 1067, G replaced by A.
Protein change: p.Arg356His; replaces arginine 356 with histidine.
Molecular consequence: missense variant. On other transcripts: 3 prime UTR variant (2).
Genome position (GRCh38, 1-based): chr20:58,910,711, G>A. VCF-style: chr20-58910711-G-A. GRCh37 (hg19) VCF-style: chr20-57485766-G-A.
Other names: c.1070G>A, p.Arg357His (NM_001077488.5); c.1022G>A, p.Arg341His (NM_001077489.4); c.*928G>A (NM_001077490.3); c.890G>A, p.Arg297His (NM_001309840.2, NM_001309861.2); c.*973G>A (NM_016592.5); c.2996G>A, p.Arg999His (NM_080425.4); c.1025G>A, p.Arg342His (NM_080426.4); c.1067G>A (NM_000516.5); short protein forms R356H, R297H, R341H, R342H, R357H, R999H.
Identifiers: ClinVar variation 1065894 (VCV001065894.2), dbSNP rs2146305299, ClinGen allele CA409453740.